The following is an entry in ClinVar:

ClinVar aggregate classification (germline): Uncertain significance (1 of 4 stars; one submission).

Submission:

Labcorp Genetics (formerly Invitae), Labcorp
Classification: Uncertain significance. Last evaluated: 2022-03-09. Review status: criteria provided, single submitter. Criteria: Invitae Variant Classification Sherloc (09022015). Collection method: clinical testing. Allele origin: germline.
Comment: This sequence change falls in intron 13 of the EMC1 gene. It does not directly change the encoded amino acid sequence of the EMC1 protein. This variant is not present in population databases (gnomAD no frequency). This variant has not been reported in the literature in individuals affected with EMC1-related conditions. Algorithms developed to predict the effect of sequence changes on RNA splicing suggest that this variant may create or strengthen a splice site. In summary, the available evidence is currently insufficient to determine the role of this variant in disease. Therefore, it has been classified as a Variant of Uncertain Significance.

NM_015047.3(EMC1):c.1433-4C>G

Genes: EMC1 (ER membrane protein complex subunit 1; minus strand), EMC1-AS1 (EMC1 antisense RNA 1; plus strand). Cytogenetic location: 1p36.13.
Variant type: single nucleotide variant.
Coding change: c.1433-4C>G on transcript NM_015047.3 (MANE Select); 4 bases into the intron before coding-DNA position 1433, C replaced by G.
Molecular consequence: intron variant.
Genome position (GRCh38, 1-based): chr1:19,233,139, G>C on the plus strand (C>G on the coding strand, the complement: EMC1 is on the minus strand). VCF-style: chr1-19233139-G-C. GRCh37 (hg19) VCF-style: chr1-19559633-G-C.
Other names: c.1367-4C>G (NM_001271429.2); c.1430-4C>G (NM_001271427.2, NM_001271428.2); c.1439-4C>G (NM_001375821.1); c.1442-4C>G (NM_001375820.1).
Identifiers: ClinVar variation 2081071 (VCV002081071.4), dbSNP rs2536734026, ClinGen allele CA2574244100.